The following is an entry in ClinVar:

NM_003738.5(PTCH2):c.1111G>C (p.Ala371Pro)

Gene: PTCH2 (patched 2; minus strand). Cytogenetic location: 1p34.1.
Variant type: single nucleotide variant.
Coding change: c.1111G>C on transcript NM_003738.5 (MANE Select); coding-DNA position 1111, G replaced by C.
Protein change: p.Ala371Pro; replaces alanine 371 with proline.
Molecular consequence: missense variant.
Genome position (GRCh38, 1-based): chr1:44,829,506, C>G on the plus strand (G>C on the coding strand, the complement: PTCH2 is on the minus strand). VCF-style: chr1-44829506-C-G. GRCh37 (hg19) VCF-style: chr1-45295178-C-G.
Other names: c.1111G>C, p.Ala371Pro (NM_001166292.2); short protein forms A371P.
Identifiers: ClinVar variation 836474 (VCV000836474.10), dbSNP rs201191113, ClinGen allele CA823421.
Genomic context (GRCh38, chr1:44,829,506, plus strand): 5'-AGAACGCATGCAGGATGTCATCCAGGGTGGTGGAGGAGAAGGCATGGATCTGCTGGGAAG[C>G]GTTCTCAGGCAGGGCCTCCTGGGCCAGCTGGAGAAACAGGGTGGATAGGAGGGGGCAGGA-3'
Protein context (NP_003729.3, residues 361-381): QLAQEALPEN[Ala371Pro]SQQIHAFSST

ClinVar aggregate classification (germline): Uncertain significance (1 of 4 stars; one submission).

Conditions:
Gorlin syndrome. Also called: Basal cell nevus syndrome; Nevoid Basal Cell Carcinoma Syndrome. Identifiers: Orphanet 377, MedGen C0004779, MONDO:0007187.

Allele frequency attached by ClinVar (database versions not stated): TOPMed 0.00002.
gnomAD v4.1: 70 of 1,614,052 alleles (0.0043%); highest among the groups gnomAD compares: Non-Finnish European, 0.0056%; no homozygotes.

Submission:

Labcorp Genetics (formerly Invitae), Labcorp
Classification: Uncertain significance for Gorlin syndrome. Last evaluated: 2024-07-19. Review status: criteria provided, single submitter. Criteria: Invitae Variant Classification Sherloc (09022015). Collection method: clinical testing. Allele origin: germline.
Comment: This sequence change replaces alanine, which is neutral and non-polar, with proline, which is neutral and non-polar, at codon 371 of the PTCH2 protein (p.Ala371Pro). This variant is present in population databases (rs201191113, gnomAD 0.007%). This variant has not been reported in the literature in individuals affected with PTCH2-related conditions. ClinVar contains an entry for this variant (Variation ID: 836474). Advanced modeling of protein sequence and biophysical properties (such as structural, functional, and spatial information, amino acid conservation, physicochemical variation, residue mobility, and thermodynamic stability) performed at Invitae indicates that this missense variant is not expected to disrupt PTCH2 protein function with a negative predictive value of 80%. In summary, the available evidence is currently insufficient to determine the role of this variant in disease. Therefore, it has been classified as a Variant of Uncertain Significance.